The following is an entry in ClinVar:

NM_004522.3(KIF5C):c.2440A>G (p.Lys814Glu)

Gene: KIF5C (kinesin family member 5C; plus strand). Cytogenetic location: 2q23.2.
Variant type: single nucleotide variant.
Coding change: c.2440A>G on transcript NM_004522.3 (MANE Select); coding-DNA position 2440, A replaced by G.
Protein change: p.Lys814Glu; replaces lysine 814 with glutamic acid.
Molecular consequence: missense variant. On other transcripts: non-coding transcript variant (1).
Genome position (GRCh38, 1-based): chr2:149,005,459, A>G. VCF-style: chr2-149005459-A-G. GRCh37 (hg19) VCF-style: chr2-149861973-A-G.
Other names: short protein forms K814E.
Identifiers: ClinVar variation 4686919 (VCV004686919.1).

ClinVar aggregate classification (germline): Uncertain significance (1 of 4 stars; one submission).

Submission:

GeneDx
Classification: Uncertain significance. Last evaluated: 2025-07-24. Review status: criteria provided, single submitter. Criteria: GeneDx Variant Classification Process June 2021. Collection method: clinical testing. Allele origin: germline. Affected: yes.
Comment: Not observed at significant frequency in large population cohorts (gnomAD); In silico analysis supports that this missense variant has a deleterious effect on protein structure/function; Has not been previously published as pathogenic or benign to our knowledge